The following is an entry in ClinVar:

NM_000038.6(APC):c.4189G>T (p.Glu1397Ter)

Gene: APC (APC regulator of Wnt signaling pathway; plus strand). Cytogenetic location: 5q22.2.
Variant type: single nucleotide variant.
Coding change: c.4189G>T on transcript NM_000038.6 (MANE Select); coding-DNA position 4189, G replaced by T.
Protein change: p.Glu1397Ter; replaces glutamic acid 1397 with a stop codon.
Molecular consequence: nonsense. On other transcripts: non-coding transcript variant (2).
Genome position (GRCh38, 1-based): chr5:112,839,783, G>T. VCF-style: chr5-112839783-G-T. GRCh37 (hg19) VCF-style: chr5-112175480-G-T.
Other names: c.4189G>T, p.Glu1397Ter (NM_001127510.3, NM_001354895.2, NM_001407450.1); c.4135G>T, p.Glu1379Ter (NM_001127511.3); c.4243G>T, p.Glu1415Ter (NM_001354896.2, NM_001407447.1, NM_001407448.1 and 1 more transcripts); c.4219G>T, p.Glu1407Ter (NM_001354897.2); c.4114G>T, p.Glu1372Ter (NM_001354898.2); c.4105G>T, p.Glu1369Ter (NM_001354899.2); c.4066G>T, p.Glu1356Ter (NM_001354900.2); c.4012G>T, p.Glu1338Ter (NM_001354901.2, NM_001407453.1); and 11 more; short protein forms E1387*, E1268*, E1369*, E1372*, E1397*, E1425*, E1237*, E1271*.
Identifiers: ClinVar variation 3720646 (VCV003720646.3).
Genomic context (GRCh38, chr5:112,839,783, plus strand): 5'-GTTCAGGAGACCCCACTCATGTTTAGCAGATGTACTTCTGTCAGTTCACTTGATAGTTTT[G>T]AGAGTCGTTCGATTGCCAGCTCCGTTCAGAGTGAACCATGCAGTGGAATGGTAAGTGGCA-3'

ClinVar aggregate classification (germline): Pathogenic (1 of 4 stars; one submission).
ClinVar aggregate classification (oncogenicity): Likely oncogenic (1 of 4 stars; one submission).

Conditions:
Familial adenomatous polyposis 1 (FAP1). Also called: FAMILIAL ADENOMATOUS POLYPOSIS 1, ATTENUATED; POLYPOSIS, ADENOMATOUS INTESTINAL. Identifiers: MedGen C2713442, MONDO:0021056, OMIM 175100. Disease mechanism: loss of function.
Neoplasm. Also called: tumor; Neoplasms; Neoplasm (disease). Identifiers: MedGen C0027651, MeSH D009369, MONDO:0005070, HP:0002664.

Submissions (2):

Center for Genomic Medicine, Rigshospitalet, Copenhagen University Hospital
Classification: Likely oncogenic for Neoplasm. Last evaluated: 2025-12-29. Review status: criteria provided, single submitter. Criteria: ClinGen/CGC/VICC Guidelines for Oncogenicity, 2022. Collection method: clinical testing. Allele origin: somatic. Affected: yes.

Labcorp Genetics (formerly Invitae), Labcorp
Classification: Pathogenic for Familial adenomatous polyposis 1. Last evaluated: 2024-07-24. Review status: criteria provided, single submitter. Criteria: Invitae Variant Classification Sherloc (09022015). Collection method: clinical testing. Allele origin: germline.
Comment: This sequence change creates a premature translational stop signal (p.Glu1397*) in the APC gene. While this is not anticipated to result in nonsense mediated decay, it is expected to disrupt the last 1447 amino acid(s) of the APC protein. This variant is not present in population databases (gnomAD no frequency). This premature translational stop signal has been observed in individual(s) with APC-related conditions (PMID: 10470088). This variant is expected to disrupt the EB1 and HDLG binding sites, which mediate interactions with the cytoskeleton (PMID: 15311282, 17293347). While functional studies have not been performed to directly test the effect on APC protein function, this suggests that disruption of the C-terminal portion of the protein is functionally important. A different truncation (p.Tyr2645Lysfs*14) that lies downstream of this variant has been determined to be pathogenic (PMID: 9824584, 1316610, 27081525, 8381579, 22135120, Invitae). This suggests that deletion of this region of the APC protein is causative of disease. For these reasons, this variant has been classified as Pathogenic.

Literature cited by the submitters: PubMed 34352208 (cited by Center for Genomic Medicine, Rigshospitalet, Copenhagen University Hospital); PubMed 29247016 (cited by Center for Genomic Medicine, Rigshospitalet, Copenhagen University Hospital); PubMed 26619011 (cited by Center for Genomic Medicine, Rigshospitalet, Copenhagen University Hospital); PubMed 10470088 (cited by Center for Genomic Medicine, Rigshospitalet, Copenhagen University Hospital and Labcorp Genetics (formerly Invitae), Labcorp); PubMed 15311282 (cited by Labcorp Genetics (formerly Invitae), Labcorp); PubMed 17293347 (cited by Labcorp Genetics (formerly Invitae), Labcorp); PubMed 9824584 (cited by Labcorp Genetics (formerly Invitae), Labcorp); PubMed 1316610 (cited by Labcorp Genetics (formerly Invitae), Labcorp); PubMed 27081525 (cited by Labcorp Genetics (formerly Invitae), Labcorp); PubMed 8381579 (cited by Labcorp Genetics (formerly Invitae), Labcorp); PubMed 22135120 (cited by Labcorp Genetics (formerly Invitae), Labcorp).